The following is an entry in ClinVar:

ClinVar aggregate classification (germline): Benign/Likely benign. Review status: criteria provided, multiple submitters, no conflicts (2 of 4 stars). 3 submissions from 3 submitters: Benign (1); Likely benign (2). Last evaluated 2026-06-16.

Conditions:
Polyps, multiple and recurrent inflammatory fibroid, gastrointestinal. Identifiers: MedGen C5193005, MONDO:0008285, OMIM 175510.
Gastrointestinal stromal tumor. Also called: Gastrointestinal stromal tumor, somatic; Gastrointestinal stroma tumor. Identifiers: Orphanet 44890, MedGen C0238198, MeSH D046152, MONDO:0011719, OMIM 606764, HP:0100723.
Hereditary cancer-predisposing syndrome. Also called: Neoplastic Syndromes, Hereditary; Tumor predisposition; Hereditary Cancer Syndrome; Hereditary neoplastic syndrome. Identifiers: Orphanet 140162, MedGen C0027672, MeSH D009386, MONDO:0015356.

Allele frequency attached by ClinVar (database versions not stated): TOPMed below 0.00001; ExAC 0.00001.
gnomAD v4.1: 8 of 1,613,940 alleles (0.0005%); highest among the groups gnomAD compares: Admixed American, 0.0033%; no homozygotes.

Submissions (3):

Myriad Genetics, Inc.
Classification: Benign for Polyps, multiple and recurrent inflammatory fibroid, gastrointestinal. Last evaluated: 2026-06-16. Review status: criteria provided, single submitter. Criteria: Myriad Autosomal Dominant, Autosomal Recessive and X-Linked Classification Criteria (2023). Collection method: clinical testing. Allele origin: unknown.
Comment: This variant is considered benign. This variant is a silent/synonymous amino acid change and it is not expected to impact splicing.

Labcorp Genetics (formerly Invitae), Labcorp
Classification: Likely benign for Gastrointestinal stromal tumor. Last evaluated: 2023-04-24. Review status: criteria provided, single submitter. Criteria: Invitae Variant Classification Sherloc (09022015). Collection method: clinical testing. Allele origin: germline.

Ambry Genetics
Classification: Likely benign for Hereditary cancer-predisposing syndrome. Last evaluated: 2022-07-28. Review status: criteria provided, single submitter. Criteria: Ambry Variant Classification Scheme 2023. Collection method: clinical testing. Allele origin: germline.

NM_006206.6(PDGFRA):c.1245A>G (p.Ser415=)

Gene: PDGFRA (platelet derived growth factor receptor alpha; plus strand). Cytogenetic location: 4q12.
Variant type: single nucleotide variant.
Coding change: c.1245A>G on transcript NM_006206.6 (MANE Select); coding-DNA position 1245, A replaced by G.
Protein change: p.Ser415=; no amino-acid change (serine 415 retained).
Molecular consequence: synonymous variant.
Genome position (GRCh38, 1-based): chr4:54,272,401, A>G. VCF-style: chr4-54272401-A-G. GRCh37 (hg19) VCF-style: chr4-55138568-A-G.
Other names: c.1245A>G, p.Ser415= (NM_001347827.2, NM_001347829.2); c.1320A>G, p.Ser440= (NM_001347828.2); c.1284A>G, p.Ser428= (NM_001347830.2).
Identifiers: ClinVar variation 1759258 (VCV001759258.6), dbSNP rs780239830, ClinGen allele CA2922502.